The following is an entry in ClinVar:

ClinVar aggregate classification (germline): Uncertain significance. Review status: criteria provided, multiple submitters, no conflicts (2 of 4 stars). 2 submissions from 2 submitters: Uncertain significance (2). Last evaluated 2024-05-25.

Conditions:
Fanconi-Bickel syndrome (FBS). Also called: FANCONI SYNDROME WITH INTESTINAL MALABSORPTION AND GALACTOSE INTOLERANCE; HEPATIC GLYCOGENOSIS WITH AMINO ACIDURIA AND GLUCOSURIA; HEPATIC GLYCOGENOSIS WITH FANCONI NEPHROPATHY; HEPATORENAL GLYCOGENOSIS WITH RENAL FANCONI SYNDROME; PSEUDO-PHLORIZIN DIABETES; Glycogen storage disease due to GLUT2 deficiency. Identifiers: Orphanet 2088, MedGen C3495427, MONDO:0009216, OMIM 227810.
Type 2 diabetes mellitus. Also called: Type II diabetes mellitus. Identifiers: MedGen C0011860, MeSH D003924, MONDO:0005148, OMIM 125853, HP:0005978.

Allele frequency attached by ClinVar (database versions not stated): gnomAD 0.00001.
gnomAD v4.1: 3 of 1,613,988 alleles (0.00019%); highest among the groups gnomAD compares: African/African-American, 0.0027%; no homozygotes.

Submissions (2):

Fulgent Genetics
Classification: Uncertain significance for Type 2 diabetes mellitus; Fanconi-Bickel syndrome. Last evaluated: 2024-05-25. Review status: criteria provided, single submitter. Criteria: ACMG Guidelines, 2015. Collection method: clinical testing. Allele origin: germline.

Labcorp Genetics (formerly Invitae), Labcorp
Classification: Uncertain significance for Fanconi-Bickel syndrome. Last evaluated: 2022-06-25. Review status: criteria provided, single submitter. Criteria: Invitae Variant Classification Sherloc (09022015). Collection method: clinical testing. Allele origin: germline.
Comment: The frequency data for this variant in the population databases is considered unreliable, as metrics indicate poor data quality at this position in the gnomAD database. This sequence change replaces aspartic acid, which is acidic and polar, with glutamic acid, which is acidic and polar, at codon 65 of the SLC2A2 protein (p.Asp65Glu). This variant has not been reported in the literature in individuals affected with SLC2A2-related conditions. Advanced modeling of protein sequence and biophysical properties (such as structural, functional, and spatial information, amino acid conservation, physicochemical variation, residue mobility, and thermodynamic stability) performed at Invitae indicates that this missense variant is not expected to disrupt SLC2A2 protein function. In summary, the available evidence is currently insufficient to determine the role of this variant in disease. Therefore, it has been classified as a Variant of Uncertain Significance.

NM_000340.2(SLC2A2):c.195T>A (p.Asp65Glu)

Gene: SLC2A2 (solute carrier family 2 member 2; minus strand). Cytogenetic location: 3q26.2.
Variant type: single nucleotide variant.
Coding change: c.195T>A on transcript NM_000340.2 (MANE Select); coding-DNA position 195, T replaced by A.
Protein change: p.Asp65Glu; replaces aspartic acid 65 with glutamic acid.
Molecular consequence: missense variant. On other transcripts: 5 prime UTR variant (1), intron variant (1).
Genome position (GRCh38, 1-based): chr3:171,014,645, A>T on the plus strand (T>A on the coding strand, the complement: SLC2A2 is on the minus strand). VCF-style: chr3-171014645-A-T. GRCh37 (hg19) VCF-style: chr3-170732434-A-T.
Other names: c.-200T>A (NM_001278659.2); c.14+3886T>A (NM_001278658.2); short protein forms D65E.
Identifiers: ClinVar variation 2077185 (VCV002077185.5), dbSNP rs1217666649, ClinGen allele CA355493515.